The following is an entry in ClinVar:

ClinVar aggregate classification (germline): Uncertain significance (1 of 4 stars; one submission).

Conditions:
Noonan syndrome 8 (NS8). Identifiers: Orphanet 648, MedGen C3809233, MONDO:0014143, OMIM 615355.

Submission:

Labcorp Genetics (formerly Invitae), Labcorp
Classification: Uncertain significance for Noonan syndrome 8. Last evaluated: 2019-01-27. Review status: criteria provided, single submitter. Criteria: Invitae Variant Classification Sherloc (09022015). Collection method: clinical testing. Allele origin: germline.
Comment: This sequence change falls in intron 3 of the RIT1 gene. It does not directly change the encoded amino acid sequence of the RIT1 protein, but it affects a nucleotide within the consensus splice site of the intron. This variant is not present in population databases (ExAC no frequency). This variant has not been reported in the literature in individuals with RIT1-related conditions. Nucleotide substitutions within the consensus splice site are a relatively common cause of aberrant splicing (PMID: 17576681, 9536098). Algorithms developed to predict the effect of sequence changes on RNA splicing suggest that this variant may disrupt the consensus splice site, but this prediction has not been confirmed by published transcriptional studies. In summary, the available evidence is currently insufficient to determine the role of this variant in disease. Therefore, it has been classified as a Variant of Uncertain Significance.

Literature cited by the submitters: PubMed 17576681; PubMed 9536098.

NM_006912.6(RIT1):c.163+5G>T

Gene: RIT1 (Ras like without CAAX 1; minus strand). Cytogenetic location: 1q22.
Variant type: single nucleotide variant.
Coding change: c.163+5G>T on transcript NM_006912.6 (MANE Select); 5 bases into the intron after coding-DNA position 163, G replaced by T.
Molecular consequence: intron variant.
Genome position (GRCh38, 1-based): chr1:155,910,445, C>A on the plus strand (G>T on the coding strand, the complement: RIT1 is on the minus strand). VCF-style: chr1-155910445-C-A. GRCh37 (hg19) VCF-style: chr1-155880236-C-A.
Other names: c.55+5G>T (NM_001256820.2); c.214+5G>T (NM_001256821.2).
Identifiers: ClinVar variation 838350 (VCV000838350.7), dbSNP rs1673568021, ClinGen allele CA916082088.